The following is an entry in ClinVar:

ClinVar aggregate classification (germline): Uncertain significance (1 of 4 stars; one submission).

Conditions:
Inborn genetic diseases. Identifiers: MedGen C0950123, MeSH D030342.

Submission:

Ambry Genetics
Classification: Uncertain significance for Inborn genetic diseases. Last evaluated: 2025-09-23. Review status: criteria provided, single submitter. Criteria: Ambry Variant Classification Scheme 2023. Collection method: clinical testing. Allele origin: germline.
Comment: The c.604C>T (p.R202C) alteration is located in exon 7 (coding exon 7) of the DDX3X gene. This alteration results from a C to T substitution at nucleotide position 604, causing the arginine (R) at amino acid position 202 to be replaced by a cysteine (C). This variant was not reported in population-based cohorts in the Genome Aggregation Database (gnomAD). This amino acid position is highly conserved in available vertebrate species. This missense alteration is located in a region that has a low rate of benign missense variation (Lek, 2016; Firth, 2009). This alteration is predicted to be tolerated by in silico analysis. Based on insufficient or conflicting evidence, the clinical significance of this alteration remains unclear.

NM_001356.5(DDX3X):c.604C>T (p.Arg202Cys)

Gene: DDX3X (DEAD-box helicase 3 X-linked; plus strand). Cytogenetic location: Xp11.4.
Variant type: single nucleotide variant.
Coding change: c.604C>T on transcript NM_001356.5 (MANE Select); coding-DNA position 604, C replaced by T.
Protein change: p.Arg202Cys; replaces arginine 202 with cysteine.
Molecular consequence: missense variant. On other transcripts: non-coding transcript variant (1).
Genome position (GRCh38, 1-based): chrX:41,343,276, C>T. VCF-style: chrX-41343276-C-T. GRCh37 (hg19) VCF-style: chrX-41202529-C-T.
Other names: c.604C>T, p.Arg202Cys (NM_001193416.3); c.556C>T, p.Arg186Cys (NM_001193417.3); c.46C>T, p.Arg16Cys (NM_001363819.1); short protein forms R202C, R16C, R186C.
Identifiers: ClinVar variation 4617098 (VCV004617098.1).